The following is an entry in ClinVar:

NM_001042517.2(DIAPH3):c.1389G>A (p.Glu463=)

Gene: DIAPH3 (diaphanous related formin 3; minus strand). Cytogenetic location: 13q21.2.
Variant type: single nucleotide variant.
Coding change: c.1389G>A on transcript NM_001042517.2 (MANE Select); coding-DNA position 1389, G replaced by A.
Protein change: p.Glu463=; no amino-acid change (glutamic acid 463 retained).
Molecular consequence: synonymous variant.
Genome position (GRCh38, 1-based): chr13:59,983,860, C>T on the plus strand (G>A on the coding strand, the complement: DIAPH3 is on the minus strand). VCF-style: chr13-59983860-C-T. GRCh37 (hg19) VCF-style: chr13-60557994-C-T.
Other names: c.1356G>A, p.Glu452= (NM_001258366.2); c.1251G>A, p.Glu417= (NM_001258367.2); c.1179G>A, p.Glu393= (NM_001258368.2); c.1389G>A, p.Glu463= (NM_001258369.2); c.600G>A, p.Glu200= (NM_001258370.2, NM_030932.4).
Identifiers: ClinVar variation 515583 (VCV000515583.5), dbSNP rs774832755, ClinGen allele CA484005208.

ClinVar aggregate classification (germline): Likely benign. Review status: criteria provided, multiple submitters, no conflicts (2 of 4 stars). 2 submissions from 2 submitters: Likely benign (2). Last evaluated 2022-08-28.

Allele frequency attached by ClinVar (database versions not stated): TOPMed 0.00002.
gnomAD v4.1: 11 of 1,608,320 alleles (0.00068%); highest among the groups gnomAD compares: Non-Finnish European, 0.00077%; no homozygotes.

Submissions (2):

Labcorp Genetics (formerly Invitae), Labcorp
Classification: Likely benign. Last evaluated: 2022-08-28. Review status: criteria provided, single submitter. Criteria: Invitae Variant Classification Sherloc (09022015). Collection method: clinical testing. Allele origin: germline.

GeneDx
Classification: Likely benign. Last evaluated: 2018-02-22. Review status: criteria provided, single submitter. Criteria: GeneDx Variant Classification (06012015). Collection method: clinical testing. Allele origin: germline. Affected: yes.
Comment: This variant is considered likely benign or benign based on one or more of the following criteria: it is a conservative change, it occurs at a poorly conserved position in the protein, it is predicted to be benign by multiple in silico algorithms, and/or has population frequency not consistent with disease.